The following is an entry in ClinVar:

NM_001330078.2(NRXN1):c.854C>T (p.Thr285Met)

Gene: NRXN1 (neurexin 1; minus strand). Cytogenetic location: 2p16.3.
Variant type: single nucleotide variant.
Coding change: c.854C>T on transcript NM_001330078.2 (MANE Select); coding-DNA position 854, C replaced by T.
Protein change: p.Thr285Met; replaces threonine 285 with methionine.
Molecular consequence: missense variant.
Genome position (GRCh38, 1-based): chr2:50,623,594, G>A on the plus strand (C>T on the coding strand, the complement: NRXN1 is on the minus strand). VCF-style: chr2-50623594-G-A. GRCh37 (hg19) VCF-style: chr2-50850732-G-A.
Other names: c.851C>T, p.Thr284Met (NM_001330093.2); c.842C>T, p.Thr281Met (NM_001330094.2); c.854C>T, p.Thr285Met (NM_001330095.2, NM_004801.6, NM_001330077.2 and 3 more transcripts); c.794C>T, p.Thr265Met (NM_001330096.2, NM_001330083.2, NM_001330084.2 and 1 more transcripts); c.953C>T, p.Thr318Met (NM_001135659.3); c.824C>T, p.Thr275Met (NM_001330088.2); short protein forms T275M, T281M, T265M, T284M, T285M, T318M.
Identifiers: ClinVar variation 1425217 (VCV001425217.6), dbSNP rs980499901, ClinGen allele CA47955190.

ClinVar aggregate classification (germline): Uncertain significance (1 of 4 stars; one submission).

Conditions:
Pitt-Hopkins-like syndrome 2 (PTHSL2). Identifiers: Orphanet 221150, Orphanet 600663, MedGen C3280479, MONDO:0013690, OMIM 614325.

Allele frequency attached by ClinVar (database versions not stated): gnomAD exomes below 0.00001 and 0.00001; gnomAD 0.00001; TOPMed 0.00001.
gnomAD v4.1: 6 of 1,610,924 alleles (0.00037%); highest among the groups gnomAD compares: East Asian, 0.0022%; no homozygotes.

Submission:

Labcorp Genetics (formerly Invitae), Labcorp
Classification: Uncertain significance for Pitt-Hopkins-like syndrome 2. Last evaluated: 2024-01-08. Review status: criteria provided, single submitter. Criteria: Invitae Variant Classification Sherloc (09022015). Collection method: clinical testing. Allele origin: germline.
Comment: This sequence change replaces threonine, which is neutral and polar, with methionine, which is neutral and non-polar, at codon 318 of the NRXN1 protein (p.Thr318Met). This variant is present in population databases (no rsID available, gnomAD 0.01%). This variant has not been reported in the literature in individuals affected with NRXN1-related conditions. ClinVar contains an entry for this variant (Variation ID: 1425217). An algorithm developed to predict the effect of missense changes on protein structure and function (PolyPhen-2) suggests that this variant is likely to be disruptive. In summary, the available evidence is currently insufficient to determine the role of this variant in disease. Therefore, it has been classified as a Variant of Uncertain Significance.